The following is an entry in ClinVar:

ClinVar aggregate classification (germline): Uncertain significance (1 of 4 stars; one submission).

Conditions:
Methylcobalamin deficiency type cblE (HMAE). Also called: HOMOCYSTINURIA-MEGALOBLASTIC ANEMIA, cblE COMPLEMENTATION TYPE; HOMOCYSTINURIA-MEGALOBLASTIC ANEMIA, cblE TYPE; VITAMIN B12-RESPONSIVE HOMOCYSTINURIA, cblE TYPE. Identifiers: Orphanet 2169, Orphanet 622, MedGen C1856057, MONDO:0009354, OMIM 236270.

Submission:

Labcorp Genetics (formerly Invitae), Labcorp
Classification: Uncertain significance for Methylcobalamin deficiency type cblE. Last evaluated: 2020-11-21. Review status: criteria provided, single submitter. Criteria: Invitae Variant Classification Sherloc (09022015). Collection method: clinical testing. Allele origin: germline.
Comment: This sequence change replaces glutamic acid with glycine at codon 117 of the MTRR protein (p.Glu117Gly). The glutamic acid residue is moderately conserved and there is a moderate physicochemical difference between glutamic acid and glycine. This variant is not present in population databases (ExAC no frequency). This variant has not been reported in the literature in individuals with MTRR-related conditions. Algorithms developed to predict the effect of missense changes on protein structure and function are either unavailable or do not agree on the potential impact of this missense change (SIFT: "Tolerated"; PolyPhen-2: "Probably Damaging"; Align-GVGD: "Class C0"). In summary, the available evidence is currently insufficient to determine the role of this variant in disease. Therefore, it has been classified as a Variant of Uncertain Significance.

NM_002454.3(MTRR):c.350A>G (p.Glu117Gly)

Gene: MTRR (5-methyltetrahydrofolate-homocysteine methyltransferase reductase; plus strand). Cytogenetic location: 5p15.31.
Variant type: single nucleotide variant.
Coding change: c.350A>G on transcript NM_002454.3 (MANE Select); coding-DNA position 350, A replaced by G.
Protein change: p.Glu117Gly; replaces glutamic acid 117 with glycine.
Molecular consequence: missense variant. On other transcripts: non-coding transcript variant (14).
Genome position (GRCh38, 1-based): chr5:7,875,324, A>G. VCF-style: chr5-7875324-A-G. GRCh37 (hg19) VCF-style: chr5-7875437-A-G.
Other names: c.350A>G, p.Glu117Gly (NM_001364440.2, NM_001364441.2, NM_001364442.2 and 1 more transcripts); short protein forms E117G.
Identifiers: ClinVar variation 1462041 (VCV001462041.8), dbSNP rs2126675683, ClinGen allele CA359156537.